The following is an entry in ClinVar:

ClinVar aggregate classification (germline): Likely benign. Review status: criteria provided, multiple submitters, no conflicts (2 of 4 stars). 3 submissions from 3 submitters: Likely benign (3). Last evaluated 2026-01-26.

Conditions:
Intellectual disability, CASK-related, X-linked. Identifiers: MedGen CN043158.

Allele frequency attached by ClinVar (database versions not stated): gnomAD exomes 0.00001 and 0.00002; TOPMed 0.00001; ExAC 0.00003; gnomAD 0.00003.
gnomAD v4.1: 29 of 1,171,965 alleles (0.0025%); highest among the groups gnomAD compares: Non-Finnish European, 0.0033%; no homozygotes.

Submissions (3):

Labcorp Genetics (formerly Invitae), Labcorp
Classification: Likely benign for Intellectual disability, CASK-related, X-linked. Last evaluated: 2026-01-26. Review status: criteria provided, single submitter. Criteria: Invitae Variant Classification Sherloc (09022015). Collection method: clinical testing. Allele origin: germline.

Women's Health and Genetics/Laboratory Corporation of America, LabCorp
Classification: Likely benign. Last evaluated: 2025-10-29. Review status: criteria provided, single submitter. Criteria: LabCorp Variant Classification Summary - May 2015. Collection method: clinical testing. Allele origin: germline.

GeneDx
Classification: Likely benign. Last evaluated: 2018-01-05. Review status: criteria provided, single submitter. Criteria: GeneDx Variant Classification (06012015). Collection method: clinical testing. Allele origin: germline. Affected: yes.
Comment: This variant is considered likely benign or benign based on one or more of the following criteria: it is a conservative change, it occurs at a poorly conserved position in the protein, it is predicted to be benign by multiple in silico algorithms, and/or has population frequency not consistent with disease.

NM_001367721.1(CASK):c.1005T>C (p.Pro335=)

Gene: CASK (calcium/calmodulin dependent serine protein kinase; minus strand). Cytogenetic location: Xp11.4.
Variant type: single nucleotide variant.
Coding change: c.1005T>C on transcript NM_001367721.1 (MANE Select); coding-DNA position 1005, T replaced by C.
Protein change: p.Pro335=; no amino-acid change (proline 335 retained).
Molecular consequence: synonymous variant.
Genome position (GRCh38, 1-based): chrX:41,626,614, A>G on the plus strand (T>C on the coding strand, the complement: CASK is on the minus strand). VCF-style: chrX-41626614-A-G. GRCh37 (hg19) VCF-style: chrX-41485867-A-G.
Other names: c.1005T>C, p.Pro335= (NM_001126054.3, NM_001126055.3, NM_001410745.1 and 1 more transcripts).
Identifiers: ClinVar variation 514497 (VCV000514497.10), dbSNP rs756316223, ClinGen allele CA10390302.